The following is an entry in ClinVar:

ClinVar aggregate classification (germline): Uncertain significance (1 of 4 stars; one submission).

Submission:

Labcorp Genetics (formerly Invitae), Labcorp
Classification: Uncertain significance. Last evaluated: 2024-03-07. Review status: criteria provided, single submitter. Criteria: Invitae Variant Classification Sherloc (09022015). Collection method: clinical testing. Allele origin: germline.
Comment: This sequence change replaces methionine, which is neutral and non-polar, with valine, which is neutral and non-polar, at codon 474 of the BCL11B protein (p.Met474Val). This variant is not present in population databases (gnomAD no frequency). This variant has not been reported in the literature in individuals affected with BCL11B-related conditions. Advanced modeling of protein sequence and biophysical properties (such as structural, functional, and spatial information, amino acid conservation, physicochemical variation, residue mobility, and thermodynamic stability) performed at Invitae indicates that this missense variant is expected to disrupt BCL11B protein function with a positive predictive value of 80%. In summary, the available evidence is currently insufficient to determine the role of this variant in disease. Therefore, it has been classified as a Variant of Uncertain Significance.

NM_138576.4(BCL11B):c.1420A>G (p.Met474Val)

Gene: BCL11B (BCL11 transcription factor B; minus strand). Cytogenetic location: 14q32.2.
Variant type: single nucleotide variant.
Coding change: c.1420A>G on transcript NM_138576.4 (MANE Select); coding-DNA position 1420, A replaced by G.
Protein change: p.Met474Val; replaces methionine 474 with valine.
Molecular consequence: missense variant.
Genome position (GRCh38, 1-based): chr14:99,175,416, T>C on the plus strand (A>G on the coding strand, the complement: BCL11B is on the minus strand). VCF-style: chr14-99175416-T-C. GRCh37 (hg19) VCF-style: chr14-99641753-T-C.
Other names: c.1417A>G, p.Met473Val (NM_001282237.2); c.1204A>G, p.Met402Val (NM_001282238.2); c.1207A>G, p.Met403Val (NM_022898.3); short protein forms M402V, M403V, M473V, M474V.
Identifiers: ClinVar variation 3689056 (VCV003689056.2).
Genomic context (GRCh38, chr14:99,175,416, plus strand): 5'-CCGAGAGCCCGTCGTCGGAGCGGCCGGCCAGCGAGCCGGCCTTGTGCATGTGCGTCTTCA[T>C]GTGGCGCTTGAGCTTGCTGGCCTGCGAGCACGCGTGGTCGCACAGCTGGCACTTGTAGGG-3'
Protein context (NP_612808.1, residues 464-484): CSQASKLKRH[Met474Val]KTHMHKAGSL